The following is an entry in ClinVar:

ClinVar aggregate classification (germline): Pathogenic (1 of 4 stars; one submission).

Conditions:
Glycogen storage disease, type V (GSD5). Also called: MCARDLE DISEASE; MUSCLE GLYCOGEN PHOSPHORYLASE DEFICIENCY; MYOPHOSPHORYLASE DEFICIENCY; PYGM DEFICIENCY; McArdle type glycogen storage disease. Identifiers: Orphanet 368, MedGen C0017924, MONDO:0009293, OMIM 232600.

Submission:

Labcorp Genetics (formerly Invitae), Labcorp
Classification: Pathogenic for Glycogen storage disease, type V. Last evaluated: 2022-04-14. Review status: criteria provided, single submitter. Criteria: Invitae Variant Classification Sherloc (09022015). Collection method: clinical testing. Allele origin: germline.
Comment: For these reasons, this variant has been classified as Pathogenic. ClinVar contains an entry for this variant (Variation ID: 969160). This variant has not been reported in the literature in individuals affected with PYGM-related conditions. This variant is not present in population databases (gnomAD no frequency). This sequence change creates a premature translational stop signal (p.Phe38Lysfs*36) in the PYGM gene. It is expected to result in an absent or disrupted protein product. Loss-of-function variants in PYGM are known to be pathogenic (PMID: 8316268, 16786513).

Literature cited by the submitters: PubMed 8316268; PubMed 16786513.

NM_005609.4(PYGM):c.112_122del (p.Phe38fs)

Gene: PYGM (glycogen phosphorylase, muscle associated; minus strand). Cytogenetic location: 11q13.1.
Variant type: Deletion.
Coding change: c.112_122del on transcript NM_005609.4 (MANE Select); coding-DNA positions 112 to 122, 11 bases deleted (TTCACACTCGT).
Protein change: p.Phe38fs; shifts the reading frame from phenylalanine 38.
Molecular consequence: frameshift variant.
Genome position (GRCh38, 1-based): chr11:64,759,777-64,759,787, ACGAGTGTGAA deleted on the plus strand (TTCACACTCGT on the coding strand, the reverse complement: PYGM is on the minus strand); deleting any 11 consecutive bases within chr11:64,759,777-64,759,788 gives the same sequence; the c. name uses the placement nearest the transcript's 3' end. VCF-style (leftmost placement, unchanged base first): chr11-64759776-TACGAGTGTGAA-T. GRCh37 (hg19) VCF-style: chr11-64527248-TACGAGTGTGAA-T.
Other names: c.112_122del, p.Phe38fs (NM_001164716.1); short protein forms F38fs.
Identifiers: ClinVar variation 969160 (VCV000969160.8), dbSNP rs2058422018, ClinGen allele CA1139662020.